The following is an entry in ClinVar:

NM_000117.3(EMD):c.736A>T (p.Met246Leu)

Gene: EMD (emerin; plus strand). Cytogenetic location: Xq28.
Variant type: single nucleotide variant.
Coding change: c.736A>T on transcript NM_000117.3 (MANE Select); coding-DNA position 736, A replaced by T.
Protein change: p.Met246Leu; replaces methionine 246 with leucine.
Molecular consequence: missense variant.
Genome position (GRCh38, 1-based): chrX:154,381,168, A>T. VCF-style: chrX-154381168-A-T. GRCh37 (hg19) VCF-style: chrX-153609528-A-T.
Other names: short protein forms M246L.
Identifiers: ClinVar variation 3710876 (VCV003710876.2).
Genomic context (GRCh38, chrX:154,381,168, plus strand): 5'-TGGGGCCAGCTGCTGCTTTTCCTGGTCTTTGTGATCGTCCTCTTCTTCATTTACCACTTC[A>T]TGCAGGCTGAAGAAGGCAACCCCTTCTAGAGGGAGCCATGAGGGTCTGGGCTTCAGAGCT-3'
Protein context (NP_000108.1, residues 236-254): VIVLFFIYHF[Met246Leu]QAEEGNPF

ClinVar aggregate classification (germline): Uncertain significance (1 of 4 stars; one submission).

Conditions:
X-linked Emery-Dreifuss muscular dystrophy. Also called: Muscular dystrophy, tardive Emery-Dreifuss type, with contractures. Identifiers: Orphanet 261, Orphanet 98863, MedGen C0751337, MONDO:0010680.

gnomAD v4.1: 1 of 1,206,974 alleles (0.000083%); highest among the groups gnomAD compares: Non-Finnish European, 0.00011%; no homozygotes.

Submission:

Labcorp Genetics (formerly Invitae), Labcorp
Classification: Uncertain significance for X-linked Emery-Dreifuss muscular dystrophy. Last evaluated: 2024-05-28. Review status: criteria provided, single submitter. Criteria: Invitae Variant Classification Sherloc (09022015). Collection method: clinical testing. Allele origin: germline.
Comment: This sequence change replaces methionine, which is neutral and non-polar, with leucine, which is neutral and non-polar, at codon 246 of the EMD protein (p.Met246Leu). This variant is not present in population databases (gnomAD no frequency). This variant has not been reported in the literature in individuals affected with EMD-related conditions. Algorithms developed to predict the effect of missense changes on protein structure and function output the following: SIFT: "Not Available"; PolyPhen-2: "Benign"; Align-GVGD: "Not Available". The leucine amino acid residue is found in multiple mammalian species, which suggests that this missense change does not adversely affect protein function. In summary, the available evidence is currently insufficient to determine the role of this variant in disease. Therefore, it has been classified as a Variant of Uncertain Significance.